The following is an entry in ClinVar:

ClinVar aggregate classification (germline): Conflicting classifications of pathogenicity. Review status: criteria provided, conflicting classifications (1 of 4 stars). 7 submissions from 7 submitters: Uncertain significance (1); Likely benign (6). Last evaluated 2026-04-01.

Conditions:
Inborn genetic diseases. Identifiers: MedGen C0950123, MeSH D030342.
Hypogonadotropic hypogonadism 5 with or without anosmia (KAL5). Also called: CHD7-Related GnRH Deficiency (Kallmann Syndrome 5); HYPOGONADOTROPIC HYPOGONADISM 5 WITH ANOSMIA; HYPOGONADOTROPHIC HYPOGONADISM 5 WITHOUT ANOSMIA. Identifiers: Orphanet 478, MedGen C3552553, MONDO:0012880, OMIM 612370. Disease mechanism: loss of function.
CHARGE syndrome (CHARGE). Also called: CHARGE ASSOCIATION--COLOBOMA, HEART ANOMALY, CHOANAL ATRESIA, RETARDATION, GENITAL AND EAR ANOMALIES; Hittner Hirsch Kreh syndrome; Coloboma, heart anomaly, choanal atresia, retardation, genital and ear anomalies; CHARGE association; Hall-Hittner syndrome. Identifiers: Orphanet 138, MedGen C0265354, MONDO:0008965.

Allele frequency attached by ClinVar (database versions not stated): gnomAD 0.00021 and 0.00023; TOPMed 0.00025; gnomAD exomes 0.00022; ESP Exome Variant Server 0.00008.
gnomAD v4.1: 336 of 1,521,062 alleles (0.022%); highest among the groups gnomAD compares: South Asian, 0.053%; no homozygotes.

Submissions (7):

CeGaT Center for Human Genetics Tuebingen
Classification: Likely benign. Last evaluated: 2026-04-01. Review status: criteria provided, single submitter. Criteria: CeGaT Center For Human Genetics Tuebingen Variant Classification Criteria Version 2. Collection method: clinical testing. Allele origin: germline. Affected: yes. Observed: 2 variant alleles.
Comment: CHD7: BP4, BP7

Labcorp Genetics (formerly Invitae), Labcorp
Classification: Likely benign for CHARGE syndrome. Last evaluated: 2026-01-16. Review status: criteria provided, single submitter. Criteria: Invitae Variant Classification Sherloc (09022015). Collection method: clinical testing. Allele origin: germline.

Blueprint Genetics
Classification: Likely benign. Last evaluated: 2024-01-08. Review status: criteria provided, single submitter. Criteria: ACMG Guidelines, 2015. Collection method: clinical testing. Allele origin: germline.

GeneDx
Classification: Likely benign. Last evaluated: 2019-12-18. Review status: criteria provided, single submitter. Criteria: GeneDx Variant Classification Process June 2021. Collection method: clinical testing. Allele origin: germline. Affected: yes.

Illumina Laboratory Services, Illumina
Classification: Likely benign for Kallmann Syndrome 5. Last evaluated: 2018-01-12. Review status: criteria provided, single submitter. Criteria: ICSL Variant Classification Criteria 13 December 2019. Collection method: clinical testing. Allele origin: germline.
Comment: This variant was observed in the ICSL laboratory as part of a predisposition screen in an ostensibly healthy population. It had not been previously curated by ICSL or reported in the Human Gene Mutation Database (HGMD: prior to June 1st, 2018), and was therefore a candidate for classification through an automated scoring system. Utilizing variant allele frequency, disease prevalence and penetrance estimates, and inheritance mode, an automated score was calculated to assess if this variant is too frequent to cause the disease. Based on the score and internal cut-off values, a variant classified as likely benign is not then subjected to further curation. The score for this variant resulted in a classification of likely benign for this disease.

Ambry Genetics
Classification: Likely benign for Inborn genetic diseases. Last evaluated: 2016-10-05. Review status: criteria provided, single submitter. Criteria: Ambry Variant Classification Scheme 2023. Collection method: clinical testing. Allele origin: germline.

Eurofins Ntd Llc (ga)
Classification: Uncertain significance. Last evaluated: 2013-04-24. Review status: criteria provided, single submitter. Criteria: EGL Classification Definitions 2015. Collection method: clinical testing. Allele origin: germline. Observed: 2 variant alleles, 2 heterozygotes.

NM_017780.4(CHD7):c.6711C>T (p.Ser2237=)

Gene: CHD7 (chromodomain helicase DNA binding protein 7; plus strand). Cytogenetic location: 8q12.2.
Variant type: single nucleotide variant.
Coding change: c.6711C>T on transcript NM_017780.4 (MANE Select); coding-DNA position 6711, C replaced by T.
Protein change: p.Ser2237=; no amino-acid change (serine 2237 retained).
Molecular consequence: synonymous variant. On other transcripts: intron variant (1).
Genome position (GRCh38, 1-based): chr8:60,853,436, C>T. VCF-style: chr8-60853436-C-T. GRCh37 (hg19) VCF-style: chr8-61765995-C-T.
Other names: c.1717-8793C>T (NM_001316690.1).
Identifiers: ClinVar variation 95807 (VCV000095807.49), dbSNP rs370385319, ClinGen allele CA223321.
Genomic context (GRCh38, chr8:60,853,436, plus strand): 5'-ACTGAAAGGTGTTGAGGTCGGCGCAGACACTGGGTCCAAATCTATTTCAGAGAAAGGTTC[C>T]GAAGAGGATGAAGAGGAAAAGCTGGAGGATGACGATAAGTCGGAAGAGTCTTCCCAGCCC-3'
Protein context (NP_060250.2, residues 2227-2247): TGSKSISEKG[Ser2237=]EEDEEEKLED